The following is an entry in ClinVar:

NC_000023.10:g.(44733234_44820528)_(44972025_?)dup

Gene: KDM6A (lysine demethylase 6A; plus strand). Cytogenetic location: Xp11.3.
Variant type: Duplication.
Identifiers: ClinVar variation 4688623 (VCV004688623.1).

ClinVar aggregate classification (germline): Uncertain significance (1 of 4 stars; one submission).

Submission:

Women's Health and Genetics/Laboratory Corporation of America, LabCorp
Classification: Uncertain significance. Last evaluated: 2025-12-03. Review status: criteria provided, single submitter. Criteria: LabCorp Variant Classification Summary - May 2015. Collection method: clinical testing. Allele origin: germline.
Comment: Variant summary: The variant involves the duplication of exons 3-29 in the KDM6A gene. A presumed nomenclature of c.(225+1_226-1)_(*1369_?)dup has been designated for the purposes of this classification. The exact breakpoint at the 3' end of this variant is unknown, therefore this duplication may extend downstream of the annotated region of the gene. As it duplicates the termination codon, its effect on the encoded protein is unknown. The variant was absent in 15814 control chromosomes. Although a variant involving the duplication of exons 3-29 that also includes part of the CXorf36(DIPK2B) gene was found at a frequency of 0.0001897 (i.e. 3/15814 alleles), including 1 homozygote, in the gnomAD structural variants dataset. The available data on variant occurrences in the general population are insufficient to allow any conclusion about variant significance. To our knowledge, no occurrence of c.(225+1_226-1)_(*1369_?)dup in individuals affected with KDM6A-related conditions and no experimental evidence demonstrating its impact on protein function have been reported. ClinVar contains an entry for this variant (Variation ID: 1376253). Based on the evidence outlined above, the variant was classified as uncertain significance.